The following is an entry in ClinVar:

NM_000352.6(ABCC8):c.317T>C (p.Leu106Pro)

Gene: ABCC8 (ATP binding cassette subfamily C member 8; minus strand). Cytogenetic location: 11p15.1.
Variant type: single nucleotide variant.
Coding change: c.317T>C on transcript NM_000352.6 (MANE Select); coding-DNA position 317, T replaced by C.
Protein change: p.Leu106Pro; replaces leucine 106 with proline.
Molecular consequence: missense variant. On other transcripts: non-coding transcript variant (1).
Genome position (GRCh38, 1-based): chr11:17,470,196, A>G on the plus strand (T>C on the coding strand, the complement: ABCC8 is on the minus strand). VCF-style: chr11-17470196-A-G. GRCh37 (hg19) VCF-style: chr11-17491743-A-G.
Other names: c.317T>C, p.Leu106Pro (NM_001287174.3, NM_001351295.2, NM_001351296.2 and 1 more transcripts); short protein forms L106P.
Identifiers: ClinVar variation 3371567 (VCV003371567.1).

ClinVar aggregate classification (germline): Uncertain significance (1 of 4 stars; one submission).

Submission:

GeneDx
Classification: Uncertain significance. Last evaluated: 2024-03-25. Review status: criteria provided, single submitter. Criteria: GeneDx Variant Classification Process June 2021. Collection method: clinical testing. Allele origin: germline. Affected: yes.
Comment: Not observed at significant frequency in large population cohorts (gnomAD); In silico analysis supports that this missense variant has a deleterious effect on protein structure/function; Has not been previously published as pathogenic or benign to our knowledge